The following is an entry in ClinVar:

ClinVar aggregate classification (germline): Pathogenic (1 of 4 stars; one submission).

Conditions:
Developmental and epileptic encephalopathy 94 (DEE94). Also called: Epileptic encephalopathy, childhood-onset; CHD2-Related Neurodevelopmental Disorders. Identifiers: Orphanet 1942, Orphanet 2382, MedGen C3809278, MONDO:0014150, OMIM 615369.

Submission:

Labcorp Genetics (formerly Invitae), Labcorp
Classification: Pathogenic for Developmental and epileptic encephalopathy 94. Last evaluated: 2019-05-07. Review status: criteria provided, single submitter. Criteria: Invitae Variant Classification Sherloc (09022015). Collection method: clinical testing. Allele origin: germline.
Comment: Loss-of-function variants in CHD2 are known to be pathogenic (PMID: 23708187, 24207121). For these reasons, this variant has been classified as Pathogenic. This variant has not been reported in the literature in individuals with CHD2-related conditions. This variant is an out-of-frame deletion of the genomic region encompassing exons 17-36 of the CHD2 gene. This is expected to create a premature translational stop signal and result in an absent or disrupted protein product.

Literature cited by the submitters: PubMed 23708187; PubMed 24207121.

NC_000015.10:g.(?_92967305)_(93012464_?)del

Gene: CHD2 (chromodomain helicase DNA binding protein 2; plus strand). Cytogenetic location: 15q26.1.
Variant type: Deletion.
Identifiers: ClinVar variation 831970 (VCV000831970.7).